The following is an entry in ClinVar:

NM_015978.3(TNNI3K):c.899A>T (p.Lys300Met)

Genes: FPGT-TNNI3K (FPGT-TNNI3K readthrough; plus strand), TNNI3K (TNNI3 interacting kinase; plus strand). Cytogenetic location: 1p31.1.
Variant type: single nucleotide variant.
Coding change: c.899A>T on transcript NM_015978.3 (MANE Select); coding-DNA position 899, A replaced by T.
Protein change: p.Lys300Met; replaces lysine 300 with methionine.
Molecular consequence: missense variant.
Genome position (GRCh38, 1-based): chr1:74,343,146, A>T. VCF-style: chr1-74343146-A-T. GRCh37 (hg19) VCF-style: chr1-74808830-A-T.
Other names: c.1202A>T, p.Lys401Met (NM_001112808.3, NM_001199327.2); short protein forms K300M, K401M.
Identifiers: ClinVar variation 2176797 (VCV002176797.4), dbSNP rs2524362395, ClinGen allele CA340782358.
Genomic context (GRCh38, chr1:74,343,146, plus strand): 5'-ATGGCAAATTTGAAGTTGCCAAGGAAATCATCCAAATATCAGGAACAGAAAGTCTGACTA[A>T]GGAAAACATCTTCAGTGAAACAGCTTTTCATAGGTAAAAGAATATTTAAGTGCAATAGCC-3'
Protein context (NP_057062.1, residues 290-310): IQISGTESLT[Lys300Met]ENIFSETAFH

ClinVar aggregate classification (germline): Uncertain significance (1 of 4 stars; one submission).

Allele frequency attached by ClinVar (database versions not stated): gnomAD exomes below 0.00001.
gnomAD v4.1: 1 of 1,613,118 alleles (0.000062%); highest among the groups gnomAD compares: Admixed American, 0.0017%; no homozygotes.

Submission:

Labcorp Genetics (formerly Invitae), Labcorp
Classification: Uncertain significance. Last evaluated: 2025-01-29. Review status: criteria provided, single submitter. Criteria: Invitae Variant Classification Sherloc (09022015). Collection method: clinical testing. Allele origin: germline.
Comment: This sequence change replaces lysine, which is basic and polar, with methionine, which is neutral and non-polar, at codon 300 of the TNNI3K protein (p.Lys300Met). This variant is not present in population databases (gnomAD no frequency). This variant has not been reported in the literature in individuals affected with TNNI3K-related conditions. ClinVar contains an entry for this variant (Variation ID: 2176797). Invitae Evidence Modeling of protein sequence and biophysical properties (such as structural, functional, and spatial information, amino acid conservation, physicochemical variation, residue mobility, and thermodynamic stability) indicates that this missense variant is not expected to disrupt TNNI3K protein function with a negative predictive value of 80%. In summary, the available evidence is currently insufficient to determine the role of this variant in disease. Therefore, it has been classified as a Variant of Uncertain Significance.